The following is an entry in ClinVar:

ClinVar aggregate classification (germline): Uncertain significance (1 of 4 stars; one submission).

Conditions:
Arrhythmogenic right ventricular dysplasia 11. Also called: Arrhythmogenic Right Ventricular Dysplasia/Cardiomyopathy11; ARRHYTHMOGENIC RIGHT VENTRICULAR DYSPLASIA, FAMILIAL, 11; Arrhythmogenic right ventricular dysplasia 11 with mild palmoplantar keratoderma and woolly hair. Identifiers: MedGen C1864850, MONDO:0012506, OMIM 610476.

gnomAD v4.1: 3 of 1,613,282 alleles (0.00019%); highest among the groups gnomAD compares: Non-Finnish European, 0.00025%; no homozygotes.

Submission:

Labcorp Genetics (formerly Invitae), Labcorp
Classification: Uncertain significance for Arrhythmogenic right ventricular dysplasia 11. Last evaluated: 2021-12-18. Review status: criteria provided, single submitter. Criteria: Invitae Variant Classification Sherloc (09022015). Collection method: clinical testing. Allele origin: germline.
Comment: This variant has not been reported in the literature in individuals affected with DSC2-related conditions. This variant is not present in population databases (gnomAD no frequency). This sequence change replaces aspartic acid, which is acidic and polar, with glycine, which is neutral and non-polar, at codon 329 of the DSC2 protein (p.Asp329Gly). Algorithms developed to predict the effect of missense changes on protein structure and function output the following: SIFT: "Tolerated"; PolyPhen-2: "Benign"; Align-GVGD: "Class C0". The glycine amino acid residue is found in multiple mammalian species, which suggests that this missense change does not adversely affect protein function. In summary, the available evidence is currently insufficient to determine the role of this variant in disease. Therefore, it has been classified as a Variant of Uncertain Significance.

NM_024422.6(DSC2):c.986A>G (p.Asp329Gly)

Gene: DSC2 (desmocollin 2; minus strand). Cytogenetic location: 18q12.1.
Variant type: single nucleotide variant.
Coding change: c.986A>G on transcript NM_024422.6 (MANE Select); coding-DNA position 986, A replaced by G.
Protein change: p.Asp329Gly; replaces aspartic acid 329 with glycine.
Molecular consequence: missense variant.
Genome position (GRCh38, 1-based): chr18:31,083,017, T>C on the plus strand (A>G on the coding strand, the complement: DSC2 is on the minus strand). VCF-style: chr18-31083017-T-C. GRCh37 (hg19) VCF-style: chr18-28662983-T-C.
Other names: c.557A>G, p.Asp186Gly (NM_001406506.1, NM_001406507.1); c.986A>G, p.Asp329Gly (NM_004949.5); short protein forms D186G, D329G.
Identifiers: ClinVar variation 1988397 (VCV001988397.4), dbSNP rs2510948974, ClinGen allele CA402110818.